The following is an entry in ClinVar:

NM_001267550.2(TTN):c.98286C>G (p.Ile32762Met)

Genes: TTN-AS1 (TTN antisense RNA 1; plus strand), TTN (titin; minus strand). Cytogenetic location: 2q31.2.
Variant type: single nucleotide variant.
Coding change: c.98286C>G on transcript NM_001267550.2 (MANE Select); coding-DNA position 98286, C replaced by G.
Protein change: p.Ile32762Met; replaces isoleucine 32762 with methionine.
Molecular consequence: missense variant. On other transcripts: non-coding transcript variant (1).
Genome position (GRCh38, 1-based): chr2:178,539,779, G>C on the plus strand (C>G on the coding strand, the complement: TTN is on the minus strand). VCF-style: chr2-178539779-G-C. GRCh37 (hg19) VCF-style: chr2-179404506-G-C.
Other names: p.I31121M:ATC>ATG; c.93363C>G, p.Ile31121Met (NM_001256850.1); c.71091C>G, p.Ile23697Met (NM_003319.4); c.90582C>G, p.Ile30194Met (NM_133378.4); c.71466C>G, p.Ile23822Met (NM_133432.3); c.71667C>G, p.Ile23889Met (NM_133437.4); short protein forms I31121M, I32762M, I23697M, I23822M, I23889M, I30194M.
Identifiers: ClinVar variation 203037 (VCV000203037.2), dbSNP rs794729550, ClinGen allele CA311049.

ClinVar aggregate classification (germline): Uncertain significance (1 of 4 stars; one submission).

Allele frequency attached by ClinVar (database versions not stated): gnomAD exomes below 0.00001.
gnomAD v4.1: 8 of 1,613,792 alleles (0.0005%); highest among the groups gnomAD compares: East Asian, 0.0022%; no homozygotes.

Submission:

GeneDx
Classification: Uncertain significance. Last evaluated: 2014-09-09. Review status: criteria provided, single submitter. Criteria: GeneDx Variant Classification (06012015). Collection method: clinical testing. Allele origin: germline. Affected: yes.
Comment: Missense variants in the TTN gene are considered 'unclassified' if they are not previously reported in the literature and do not have >1% frequency in the population to be considered a polymorphism. Research indicates that truncating mutations in the TTN gene are expected to account for approximately 25% of familial and 18% of sporadic idiopathic DCM; however, truncating variants in the TTN gene have been reported in approximately 3% of reported control alleles. There has been little investigation into non-truncating variants. (Herman D et al. Truncations of titin causing dilated cardiomyopathy. N Eng J Med 366:619-628, 2012) The variant is found in DCM-CRDM panel(s).